The following is an entry in ClinVar:

ClinVar aggregate classification (germline): Uncertain significance (1 of 4 stars; one submission).

Allele frequency attached by ClinVar (database versions not stated): TOPMed 0.00001.

Submission:

GeneDx
Classification: Uncertain significance. Last evaluated: 2022-12-08. Review status: criteria provided, single submitter. Criteria: GeneDx Variant Classification Process June 2021. Collection method: clinical testing. Allele origin: germline. Affected: yes.
Comment: Not observed at significant frequency in large population cohorts (gnomAD); In silico analysis supports that this missense variant does not alter protein structure/function; Has not been previously published as pathogenic or benign to our knowledge

NM_021926.4(ALX4):c.994A>C (p.Met332Leu)

Gene: ALX4 (ALX homeobox 4; minus strand). Cytogenetic location: 11p11.2.
Variant type: single nucleotide variant.
Coding change: c.994A>C on transcript NM_021926.4 (MANE Select); coding-DNA position 994, A replaced by C.
Protein change: p.Met332Leu; replaces methionine 332 with leucine.
Molecular consequence: missense variant.
Genome position (GRCh38, 1-based): chr11:44,265,096, T>G on the plus strand (A>C on the coding strand, the complement: ALX4 is on the minus strand). VCF-style: chr11-44265096-T-G. GRCh37 (hg19) VCF-style: chr11-44286646-T-G.
Other names: short protein forms M332L.
Identifiers: ClinVar variation 2505910 (VCV002505910.1), dbSNP rs1956205464, ClinGen allele CA380181642.
Genomic context (GRCh38, chr11:44,265,096, plus strand): 5'-CACTCAGGAAGTCGGTGACGCTGCTGGCCCCAGAGCCAGGGGGGTGGGCATGAGGGGACA[T>G]GCAGGCAGGCACCGGGTCGCAGGGGACCACGCAGGCTGGCACTGGTGAGGCAGCCCCGTT-3'
Protein context (NP_068745.2, residues 322-342): VVPCDPVPAC[Met332Leu]SPHAHPPGSG